The following is an entry in ClinVar:

ClinVar aggregate classification (germline): Uncertain significance. Review status: criteria provided, multiple submitters, no conflicts (2 of 4 stars). 3 submissions from 3 submitters: Uncertain significance (3). Last evaluated 2023-06-20.

Conditions:
Inborn genetic diseases. Identifiers: MedGen C0950123, MeSH D030342.

Allele frequency attached by ClinVar (database versions not stated): gnomAD 0.00001; gnomAD exomes 0.00001 and 0.00002; ExAC 0.00002; TOPMed 0.00002.
gnomAD v4.1: 14 of 1,613,906 alleles (0.00087%); highest among the groups gnomAD compares: Non-Finnish European, 0.0012%; no homozygotes.

Submissions (3):

Ambry Genetics
Classification: Uncertain significance for Inborn genetic diseases. Last evaluated: 2023-06-20. Review status: criteria provided, single submitter. Criteria: Ambry Variant Classification Scheme 2023. Collection method: clinical testing. Allele origin: germline.

CeGaT Center for Human Genetics Tuebingen
Classification: Uncertain significance. Last evaluated: 2021-09-01. Review status: criteria provided, single submitter. Criteria: CeGaT Center For Human Genetics Tuebingen Variant Classification Criteria Version 2. Collection method: clinical testing. Allele origin: germline. Affected: yes. Observed: 1 variant allele.

Labcorp Genetics (formerly Invitae), Labcorp
Classification: Uncertain significance. Last evaluated: 2021-08-15. Review status: criteria provided, single submitter. Criteria: Invitae Variant Classification Sherloc (09022015). Collection method: clinical testing. Allele origin: germline.
Comment: This missense change has been observed in individual(s) with amyotrophic lateral sclerosis (PMID: 31475037). This variant is present in population databases (rs774252076, ExAC 0.005%). This sequence change replaces threonine with isoleucine at codon 338 of the NEFH protein (p.Thr338Ile). The threonine residue is highly conserved and there is a moderate physicochemical difference between threonine and isoleucine. Algorithms developed to predict the effect of missense changes on protein structure and function are either unavailable or do not agree on the potential impact of this missense change (SIFT: "Deleterious"; PolyPhen-2: "Not Available"; Align-GVGD: "Class C65"). In summary, the available evidence is currently insufficient to determine the role of this variant in disease. Therefore, it has been classified as a Variant of Uncertain Significance.

Literature cited by the submitters: PubMed 31475037 (cited by Ambry Genetics and Labcorp Genetics (formerly Invitae), Labcorp).

NM_021076.4(NEFH):c.1013C>T (p.Thr338Ile)

Gene: NEFH (neurofilament heavy chain; plus strand). Cytogenetic location: 22q12.2.
Variant type: single nucleotide variant.
Coding change: c.1013C>T on transcript NM_021076.4 (MANE Select); coding-DNA position 1013, C replaced by T.
Protein change: p.Thr338Ile; replaces threonine 338 with isoleucine.
Molecular consequence: missense variant.
Genome position (GRCh38, 1-based): chr22:29,483,504, C>T. VCF-style: chr22-29483504-C-T. GRCh37 (hg19) VCF-style: chr22-29879493-C-T.
Other names: c.1013C>T (NM_021076.3); short protein forms T338I.
Identifiers: ClinVar variation 1298890 (VCV001298890.43), dbSNP rs774252076, ClinGen allele CA10174087.